The following is an entry in ClinVar:

NM_013254.4(TBK1):c.1588G>A (p.Gly530Arg)

Gene: TBK1 (TANK binding kinase 1; plus strand). Cytogenetic location: 12q14.2.
Variant type: single nucleotide variant.
Coding change: c.1588G>A on transcript NM_013254.4 (MANE Select); coding-DNA position 1588, G replaced by A.
Protein change: p.Gly530Arg; replaces glycine 530 with arginine.
Molecular consequence: missense variant.
Genome position (GRCh38, 1-based): chr12:64,495,549, G>A. VCF-style: chr12-64495549-G-A. GRCh37 (hg19) VCF-style: chr12-64889329-G-A.
Other names: short protein forms G530R.
Identifiers: ClinVar variation 1027796 (VCV001027796.1), dbSNP rs2040916858, ClinGen allele CA385604262.
Genomic context (GRCh38, chr12:64,495,549, plus strand): 5'-AGTTCTCAGGGAACAATAGAAACCAGTCTTCAGGATATCGACAGCAGATTATCTCCAGGT[G>A]GATCACTGGCAGACGCATGGGCACATCAAGAAGGCACTCATCCGAAAGACAGAAAGTAGG-3'
Protein context (NP_037386.1, residues 520-540): QDIDSRLSPG[Gly530Arg]SLADAWAHQE

ClinVar aggregate classification (germline): Uncertain significance (1 of 4 stars; one submission).

Conditions:
Frontotemporal dementia and/or amyotrophic lateral sclerosis 4. Also called: FTDALS4. Identifiers: Orphanet 275872, MedGen C4225325, MONDO:0014641, OMIM 616439.

Allele frequency attached by ClinVar (database versions not stated): gnomAD exomes below 0.00001.

Submission:

Baylor Genetics
Classification: Uncertain significance for Frontotemporal dementia and/or amyotrophic lateral sclerosis 4. Last evaluated: 2019-07-27. Review status: criteria provided, single submitter. Criteria: ACMG Guidelines, 2015. Collection method: clinical testing. Allele origin: unknown. Affected: yes.
Comment: This variant was determined to be of uncertain significance according to ACMG Guidelines, 2015 [PMID:25741868].